The following is an entry in ClinVar:

NM_001080.3(ALDH5A1):c.617del (p.Phe206fs)

Gene: ALDH5A1 (aldehyde dehydrogenase 5 family member A1; plus strand). Cytogenetic location: 6p22.3.
Variant type: Deletion.
Coding change: c.617del on transcript NM_001080.3 (MANE Select); coding-DNA position 617, one base deleted (T; older notation c.617delT).
Protein change: p.Phe206fs; shifts the reading frame from phenylalanine 206.
Molecular consequence: frameshift variant.
Genome position (GRCh38, 1-based): chr6:24,504,876, T deleted; the last of 3 consecutive T bases (chr6:24,504,874-24,504,876); deleting any one gives the same sequence. VCF-style (leftmost placement, unchanged base first): chr6-24504873-AT-A. GRCh37 (hg19) VCF-style: chr6-24505101-AT-A.
Other names: c.617del, p.Phe206fs (NM_001368954.1, NM_170740.1); c.615del (NM_001080.3); short protein forms F206fs.
Identifiers: ClinVar variation 1878456 (VCV001878456.5), dbSNP rs2532835542, ClinGen allele CA913187344.

ClinVar aggregate classification (germline): Pathogenic. Review status: criteria provided, multiple submitters, no conflicts (2 of 4 stars). 2 submissions from 2 submitters: Pathogenic (2). Last evaluated 2021-03-08.

Conditions:
Succinate-semialdehyde dehydrogenase deficiency (SSADHD). Also called: 4-HYDROXYBUTYRIC ACIDURIA; GABA METABOLIC DEFECT; SSADH DEFICIENCY; Succinic Semialdehyde Dehydrogenase Deficiency. Identifiers: Orphanet 22, MedGen C0268631, MONDO:0010083, OMIM 271980.

Submissions (2):

Elsea Laboratory, Baylor College of Medicine
Classification: Pathogenic for Succinate-semialdehyde dehydrogenase deficiency. Last evaluated: 2021-03-08. Review status: criteria provided, single submitter. Criteria: Martin et al. (J Child Neurol. 2021). Collection method: curation. Allele origin: germline. Affected: yes.

Juno Genomics, Hangzhou Juno Genomics, Inc
Classification: Pathogenic for Succinate-semialdehyde dehydrogenase deficiency. Review status: criteria provided, single submitter. Criteria: ACMG Guidelines, 2015. Collection method: clinical testing. Allele origin: germline.
Comment: Absent from controls (or at extremely low frequency if recessive) in Genome Aggregation Database.;Null variant in a gene where loss of function (LOF) is a known mechanism of disease.;For recessive disorders, detected in trans with a pathogenic variant.;Patient's phenotype or family history is highly specific for a disease with a single genetic etiology.

Literature cited by the submitters: PubMed 26220405 (cited by Elsea Laboratory, Baylor College of Medicine).